The following is an entry in ClinVar:

ClinVar aggregate classification (germline): Likely pathogenic (1 of 4 stars; one submission).

Conditions:
Developmental and epileptic encephalopathy, 74. Also called: EPILEPTIC ENCEPHALOPATHY, EARLY INFANTILE, 74. Identifiers: MedGen C5193074, MONDO:0032725, OMIM 618396.

Submission:

Laboratoire Génétique Moléculaire, CHRU TOURS
Classification: Likely pathogenic for Developmental and epileptic encephalopathy, 74. Last evaluated: 2025-01-14. Review status: criteria provided, single submitter. Criteria: ACMG Guidelines, 2015. Collection method: clinical testing. Allele origin: unknown. Affected: yes.
Comment: PM2;PM5;PP2;PP3;PP4

NM_198904.4(GABRG2):c.928A>C (p.Thr310Pro)

Gene: GABRG2 (gamma-aminobutyric acid type A receptor subunit gamma2; plus strand). Cytogenetic location: 5q34.
Variant type: single nucleotide variant.
Coding change: c.928A>C on transcript NM_198904.4 (MANE Select); coding-DNA position 928, A replaced by C.
Protein change: p.Thr310Pro; replaces threonine 310 with proline.
Molecular consequence: missense variant. On other transcripts: intron variant (1).
Genome position (GRCh38, 1-based): chr5:162,149,113, A>C. VCF-style: chr5-162149113-A-C. GRCh37 (hg19) VCF-style: chr5-161576119-A-C.
Other names: c.928A>C, p.Thr310Pro (NM_000816.3); c.919A>C, p.Thr307Pro (NM_001375339.1); c.925A>C, p.Thr309Pro (NM_001375341.1, NM_001375342.1); c.1048A>C, p.Thr350Pro (NM_001375343.1, NM_198903.2); c.967A>C, p.Thr323Pro (NM_001375344.1); c.862A>C, p.Thr288Pro (NM_001375345.1, NM_001375346.1); c.841A>C, p.Thr281Pro (NM_001375347.1); c.508A>C, p.Thr170Pro (NM_001375348.1, NM_001375350.1); and 2 more; short protein forms T281P, T310P, T288P, T323P, T350P, T215P, T170P, T307P.
Identifiers: ClinVar variation 4294391 (VCV004294391.1).